The following is an entry in ClinVar:

NM_001282860.2(GON4L):c.4116G>A (p.Thr1372=)

Gene: GON4L (gon-4 like; minus strand). Cytogenetic location: 1q22.
Variant type: single nucleotide variant.
Coding change: c.4116G>A on transcript NM_001282860.2 (MANE Select); coding-DNA position 4116, G replaced by A.
Protein change: p.Thr1372=; no amino-acid change (threonine 1372 retained).
Molecular consequence: synonymous variant.
Genome position (GRCh38, 1-based): chr1:155,765,357, C>T on the plus strand (G>A on the coding strand, the complement: GON4L is on the minus strand). VCF-style: chr1-155765357-C-T. GRCh37 (hg19) VCF-style: chr1-155735148-C-T.
Other names: c.4116G>A, p.Thr1372= (NM_001282856.2, NM_001282858.2, NM_001282861.2 and 1 more transcripts).
Identifiers: ClinVar variation 3052078 (VCV003052078.2), dbSNP rs559465299, ClinGen allele CA1150486.

ClinVar aggregate classification (germline): Likely benign (0 of 4 stars; one submission).

Conditions:
GON4L-related disorder. Also called: GON4L-related condition.

Allele frequency attached by ClinVar (database versions not stated): TOPMed 0.00005; gnomAD 0.00019; gnomAD exomes 0.00024; ExAC 0.00060; 1000 Genomes Project 0.00160; 1000 Genomes Project 30x 0.00172.
gnomAD v4.1: 381 of 1,614,128 alleles (0.024%); highest among the groups gnomAD compares: South Asian, 0.37%; 2 homozygotes.

Submission:

PreventionGenetics, part of Exact Sciences
Classification: Likely benign for GON4L-related condition. Last evaluated: 2020-03-03. Review status: no assertion criteria provided. Collection method: clinical testing. Allele origin: germline.
Comment: This variant is classified as likely benign based on ACMG/AMP sequence variant interpretation guidelines (Richards et al. 2015 PMID: 25741868, with internal and published modifications).